The following is an entry in ClinVar:

ClinVar aggregate classification (germline): Uncertain significance. Review status: criteria provided, multiple submitters, no conflicts (2 of 4 stars). 2 submissions from 2 submitters: Uncertain significance (2). Last evaluated 2025-10-18.

Conditions:
Inborn genetic diseases. Identifiers: MedGen C0950123, MeSH D030342.
Jeune thoracic dystrophy. Also called: Jeune syndrome; Infantile thoracic dystrophy; Thoracic pelvic phalangeal dystrophy; Jeune's syndrome; Chondroectodermal dysplasia-like syndrome; Short-rib thoracic dysplasia. Identifiers: Orphanet 474, MedGen C0265275, MONDO:0018770.

Allele frequency attached by ClinVar (database versions not stated): gnomAD exomes below 0.00001.
gnomAD v4.1: 3 of 1,612,786 alleles (0.00019%); highest among the groups gnomAD compares: Non-Finnish European, 0.00025%; no homozygotes.

Submissions (2):

Ambry Genetics
Classification: Uncertain significance for Inborn genetic diseases. Last evaluated: 2025-10-18. Review status: criteria provided, single submitter. Criteria: Ambry Variant Classification Scheme 2023. Collection method: clinical testing. Allele origin: germline.

Labcorp Genetics (formerly Invitae), Labcorp
Classification: Uncertain significance for Jeune thoracic dystrophy. Last evaluated: 2023-07-05. Review status: criteria provided, single submitter. Criteria: Invitae Variant Classification Sherloc (09022015). Collection method: clinical testing. Allele origin: germline.
Comment: In summary, the available evidence is currently insufficient to determine the role of this variant in disease. Therefore, it has been classified as a Variant of Uncertain Significance. Advanced modeling of protein sequence and biophysical properties (such as structural, functional, and spatial information, amino acid conservation, physicochemical variation, residue mobility, and thermodynamic stability) has been performed at Invitae for this missense variant, however the output from this modeling did not meet the statistical confidence thresholds required to predict the impact of this variant on DYNC2H1 protein function. This variant has not been reported in the literature in individuals affected with DYNC2H1-related conditions. This variant is present in population databases (no rsID available, gnomAD 0.0009%). This sequence change replaces tyrosine, which is neutral and polar, with aspartic acid, which is acidic and polar, at codon 2274 of the DYNC2H1 protein (p.Tyr2274Asp).

NM_001377.3(DYNC2H1):c.6820T>G (p.Tyr2274Asp)

Gene: DYNC2H1 (dynein cytoplasmic 2 heavy chain 1; plus strand). Cytogenetic location: 11q22.3.
Variant type: single nucleotide variant.
Coding change: c.6820T>G on transcript NM_001377.3 (MANE Select); coding-DNA position 6820, T replaced by G.
Protein change: p.Tyr2274Asp; replaces tyrosine 2274 with aspartic acid.
Molecular consequence: missense variant.
Genome position (GRCh38, 1-based): chr11:103,186,428, T>G. VCF-style: chr11-103186428-T-G. GRCh37 (hg19) VCF-style: chr11-103057157-T-G.
Other names: c.6820T>G (NM_001080463.1); c.6820T>G, p.Tyr2274Asp (NM_001080463.2); short protein forms Y2274D.
Identifiers: ClinVar variation 2735564 (VCV002735564.4), dbSNP rs1383599873, ClinGen allele CA382250463.
Genomic context (GRCh38, chr11:103,186,428, plus strand): 5'-TTCAGTAACGGCTTAACTCTTCCAGTCATTCAGACTCCTGACATGCAACGAGGTCTAGAT[T>G]ATTTCAAACCATGGTTAAGTTCTGATACTAAACAGCCCTTTATTCTGGTAGGACCAGAAG-3'
Protein context (NP_001368.2, residues 2264-2284): QTPDMQRGLD[Tyr2274Asp]FKPWLSSDTK